The following is an entry in ClinVar:

ClinVar aggregate classification (germline): Likely benign (1 of 4 stars; one submission).

Submission:

CeGaT Center for Human Genetics Tuebingen
Classification: Likely benign. Last evaluated: 2024-09-01. Review status: criteria provided, single submitter. Criteria: CeGaT Center For Human Genetics Tuebingen Variant Classification Criteria Version 2. Collection method: clinical testing. Allele origin: germline. Affected: yes. Observed: 1 variant allele.
Comment: FMN2: PM2:Supporting, BP4, BP7

NM_020066.5(FMN2):c.2652T>A (p.Pro884=)

Gene: FMN2 (formin 2; plus strand). Cytogenetic location: 1q43.
Variant type: single nucleotide variant.
Coding change: c.2652T>A on transcript NM_020066.5 (MANE Select); coding-DNA position 2652, T replaced by A.
Protein change: p.Pro884=; no amino-acid change (proline 884 retained).
Molecular consequence: synonymous variant. On other transcripts: intron variant (1).
Genome position (GRCh38, 1-based): chr1:240,207,464, T>A. VCF-style: chr1-240207464-T-A. GRCh37 (hg19) VCF-style: chr1-240370764-T-A.
Other names: c.2664T>A, p.Pro888= (NM_001305424.2); c.1986+19202T>A (NM_001348094.2).
Identifiers: ClinVar variation 3388576 (VCV003388576.14).